The following is an entry in ClinVar:

ClinVar aggregate classification (germline): Uncertain significance (1 of 4 stars; one submission).

Submission:

Labcorp Genetics (formerly Invitae), Labcorp
Classification: Uncertain significance. Last evaluated: 2025-09-24. Review status: criteria provided, single submitter. Criteria: Invitae Variant Classification Sherloc (09022015). Collection method: clinical testing. Allele origin: germline.
Comment: This variant, c.2859_2861del, is a complex sequence change that results in the deletion of 1 amino acid(s) in the WNK4 protein (p.Pro954del). This variant is present in population databases (rs760498146, gnomAD 0.008%). This variant has not been reported in the literature in individuals affected with WNK4-related conditions. Experimental studies and prediction algorithms are not available or were not evaluated, and the functional significance of this variant is currently unknown. In summary, the available evidence is currently insufficient to determine the role of this variant in disease. Therefore, it has been classified as a Variant of Uncertain Significance.

NM_032387.5(WNK4):c.2856TCC[1] (p.Pro954del)

Gene: WNK4 (WNK lysine deficient protein kinase 4; plus strand). Cytogenetic location: 17q21.2.
Variant type: Microsatellite.
Coding change: c.2856TCC[1] on transcript NM_032387.5 (MANE Select); one copy of the 3-base unit TCC starting at c.2856; the reference has two copies in a row; one copy, 3 bases deleted.
Protein change: p.Pro954del; deletes proline 954.
Molecular consequence: inframe deletion.
Genome position (GRCh38, 1-based): chr17:42,795,280-42,795,282, TCC deleted; deleting any 3 consecutive bases within chr17:42,795,276-42,795,282 gives the same sequence; the position shown is the placement nearest the transcript's 3' end. VCF-style (leftmost placement, unchanged base first): chr17-42795275-TCTC-T. GRCh37 (hg19) VCF-style: chr17-40947293-TCTC-T.
Other names: c.1848TCC[1], p.Pro618del (NM_001321299.2); short protein forms P618del, P954del.
Identifiers: ClinVar variation 2895383 (VCV002895383.3), dbSNP rs760498146, ClinGen allele CA8584453.